The following is an entry in ClinVar:

ClinVar aggregate classification (germline): Uncertain significance (1 of 4 stars; one submission).

Conditions:
Hereditary spastic paraplegia 39 (SPG39). Also called: Spastic Paraplegia Type 39 (SPG39); SPASTIC PARAPLEGIA 39, AUTOSOMAL RECESSIVE. Identifiers: Orphanet 139480, MedGen C2677586, MONDO:0012787, OMIM 612020.

Submission:

Labcorp Genetics (formerly Invitae), Labcorp
Classification: Uncertain significance for Hereditary spastic paraplegia 39. Last evaluated: 2025-03-17. Review status: criteria provided, single submitter. Criteria: Invitae Variant Classification Sherloc (09022015). Collection method: clinical testing. Allele origin: germline.
Comment: This sequence change replaces proline, which is neutral and non-polar, with alanine, which is neutral and non-polar, at codon 529 of the PNPLA6 protein (p.Pro529Ala). This variant is not present in population databases (gnomAD no frequency). This variant has not been reported in the literature in individuals affected with PNPLA6-related conditions. ClinVar contains an entry for this variant (Variation ID: 1047293). Invitae Evidence Modeling of protein sequence and biophysical properties (such as structural, functional, and spatial information, amino acid conservation, physicochemical variation, residue mobility, and thermodynamic stability) indicates that this missense variant is not expected to disrupt PNPLA6 protein function with a negative predictive value of 80%. In summary, the available evidence is currently insufficient to determine the role of this variant in disease. Therefore, it has been classified as a Variant of Uncertain Significance.

NM_001166114.2(PNPLA6):c.1702C>G (p.Pro568Ala)

Gene: PNPLA6 (patatin like domain 6, lysophospholipase; plus strand). Cytogenetic location: 19p13.2.
Variant type: single nucleotide variant.
Coding change: c.1702C>G on transcript NM_001166114.2 (MANE Select); coding-DNA position 1702, C replaced by G.
Protein change: p.Pro568Ala; replaces proline 568 with alanine.
Molecular consequence: missense variant.
Genome position (GRCh38, 1-based): chr19:7,550,000, C>G. VCF-style: chr19-7550000-C-G. GRCh37 (hg19) VCF-style: chr19-7614886-C-G.
Other names: c.1729C>G, p.Pro577Ala (NM_001166111.2); c.1507C>G, p.Pro503Ala (NM_001166112.2); c.1585C>G, p.Pro529Ala (NM_001166113.1, NM_006702.5); short protein forms P503A, P529A, P568A, P577A.
Identifiers: ClinVar variation 1047293 (VCV001047293.10), dbSNP rs2023573612, ClinGen allele CA403119721.
Genomic context (GRCh38, chr19:7,550,000, plus strand): 5'-CTGCACGTGTACCAGCGCATGATCGACAAGGCGGAGGACGTGTGCCTGTTCGTAGCGCAG[C>G]CCGGGGAACTGGTGGGGCAGCTGGCGGTGCTCACTGGCGAACCTCTCATCTTCACACTGC-3'
Protein context (NP_001159586.1, residues 558-578): AEDVCLFVAQ[Pro568Ala]GELVGQLAVL